The following is an entry in ClinVar:

NM_012434.5(SLC17A5):c.1016G>A (p.Trp339Ter)

Gene: SLC17A5 (solute carrier family 17 member 5; minus strand). Cytogenetic location: 6q13.
Variant type: single nucleotide variant.
Coding change: c.1016G>A on transcript NM_012434.5 (MANE Select); coding-DNA position 1016, G replaced by A.
Protein change: p.Trp339Ter; replaces tryptophan 339 with a stop codon.
Molecular consequence: nonsense.
Genome position (GRCh38, 1-based): chr6:73,615,410, C>T on the plus strand (G>A on the coding strand, the complement: SLC17A5 is on the minus strand). VCF-style: chr6-73615410-C-T. GRCh37 (hg19) VCF-style: chr6-74325133-C-T.
Other names: short protein forms W339*.
Identifiers: ClinVar variation 370976 (VCV000370976.14), dbSNP rs1057516910, ClinGen allele CA16041080.

ClinVar aggregate classification (germline): Pathogenic/Likely pathogenic. Review status: criteria provided, multiple submitters, no conflicts (2 of 4 stars). 6 submissions from 6 submitters: Pathogenic (3); Likely pathogenic (2). 1 of the submissions does not count toward it. Last evaluated 2025-06-04.

Conditions:
Sialic acid storage disease, severe infantile type (ISSD). Also called: N-ACETYLNEURAMINIC ACID STORAGE DISEASE; NANA STORAGE DISEASE; SIALURIA, INFANTILE FORM; INFANTILE SIALIC ACID STORAGE DISORDER; Infantile Sialic Acid Storage Disease; Free sialic acid storage disease, infantile form. Identifiers: Orphanet 309324, Orphanet 834, MedGen C1096902, MONDO:0010027, OMIM 269920.
Salla disease (SD). Also called: Sialuria, Finnish type; N-acetylneuraminic acid (NANA) storage disease (NSD); Infantile sialic acid storage disorder (ISSD); Less Severe FSASD (Salla Disease). Identifiers: Orphanet 309334, Orphanet 834, MedGen C1096903, MONDO:0011449, OMIM 604369.

Allele frequency attached by ClinVar (database versions not stated): TOPMed 0.00001; gnomAD exomes below 0.00001 and 0.00001; gnomAD 0.00001.
gnomAD v4.1: 13 of 1,613,684 alleles (0.00081%); highest among the groups gnomAD compares: Non-Finnish European, 0.0011%; no homozygotes.

Submissions (6):

First Genomix Gene Laboratory, Genetic Diagnostics Department
Classification: Likely pathogenic for Salla disease; Sialic acid storage disease, severe infantile type. Last evaluated: 2025-06-04. Review status: criteria provided, single submitter. Criteria: ACMG Guidelines, 2015. Collection method: clinical testing. Allele origin: germline. Inheritance: Autosomal recessive inheritance. Affected: no. Observed: 1 variant allele.

Baylor Genetics
Classification: Pathogenic for Salla disease. Last evaluated: 2024-03-24. Review status: criteria provided, single submitter. Criteria: ACMG Guidelines, 2015. Collection method: clinical testing. Allele origin: unknown.

Women's Health and Genetics/Laboratory Corporation of America, LabCorp
Classification: Pathogenic for Salla disease. Last evaluated: 2023-02-24. Review status: criteria provided, single submitter. Criteria: LabCorp Variant Classification Summary - May 2015. Collection method: clinical testing. Allele origin: germline.
Comment: Variant summary: SLC17A5 c.1016G>A (p.Trp339X) results in a premature termination codon, predicted to cause a truncation of the encoded protein or absence of the protein due to nonsense mediated decay, which are commonly known mechanisms for disease. Truncations downstream of this position have been classified as pathogenic by our laboratory. The variant allele was found at a frequency of 4e-06 in 251350 control chromosomes (gnomAD). c.1016G>A has been reported in the literature in individuals affected with Sialic Acid Storage Disorder (example: Froissart_2005). These data indicate that the variant is very likely to be associated with disease. Four clinical diagnostic laboratories have submitted clinical-significance assessments for this variant to ClinVar after 2014 and all classified the variant as pathogenic/likely pathogenic. Based on the evidence outlined above, the variant was classified as pathogenic.

Labcorp Genetics (formerly Invitae), Labcorp
Classification: Pathogenic for Salla disease. Last evaluated: 2022-11-06. Review status: criteria provided, single submitter. Criteria: Invitae Variant Classification Sherloc (09022015). Collection method: clinical testing. Allele origin: germline.
Comment: For these reasons, this variant has been classified as Pathogenic. ClinVar contains an entry for this variant (Variation ID: 370976). This premature translational stop signal has been observed in individual(s) with sialic acid storage disease (PMID: 15805149). This variant is present in population databases (no rsID available, gnomAD 0.0009%). This sequence change creates a premature translational stop signal (p.Trp339*) in the SLC17A5 gene. It is expected to result in an absent or disrupted protein product. Loss-of-function variants in SLC17A5 are known to be pathogenic (PMID: 10581036, 10947946, 15172001).

Genome-Nilou Lab
Classification: Likely pathogenic for Salla disease. Last evaluated: 2021-09-05. Review status: criteria provided, single submitter. Criteria: ACMG Guidelines, 2015. Collection method: clinical testing. Allele origin: germline. Affected: no.

Counsyl
Classification: Likely pathogenic for Salla disease. Last evaluated: 2016-05-26. Review status: no assertion criteria provided. Collection method: clinical testing. Allele origin: unknown. Not counted in ClinVar's aggregate classification.

Literature cited by the submitters: PubMed 15805149 (cited by 3 submitters); PubMed 10581036 (cited by Labcorp Genetics (formerly Invitae), Labcorp); PubMed 10947946 (cited by Labcorp Genetics (formerly Invitae), Labcorp); PubMed 15172001 (cited by Labcorp Genetics (formerly Invitae), Labcorp); PubMed 25525159 (cited by Counsyl).